The following is an entry in ClinVar:

NM_001375524.1(TRRAP):c.3104G>A (p.Arg1035Gln)

Gene: TRRAP (transformation/transcription domain associated protein; plus strand). Cytogenetic location: 7q22.1.
Variant type: single nucleotide variant.
Coding change: c.3104G>A on transcript NM_001375524.1 (MANE Select); coding-DNA position 3104, G replaced by A.
Protein change: p.Arg1035Gln; replaces arginine 1035 with glutamine.
Molecular consequence: missense variant.
Genome position (GRCh38, 1-based): chr7:98,927,295, G>A. VCF-style: chr7-98927295-G-A. GRCh37 (hg19) VCF-style: chr7-98524918-G-A.
Other names: NM_001375524.1(TRRAP):c.3104G>A; p.Arg1035Gln; c.3104G>A, p.Arg1035Gln (NM_001244580.2, NM_003496.4); c.3104G>A (NM_003496.3); short protein forms R1035Q.
Identifiers: ClinVar variation 1320128 (VCV001320128.15), dbSNP rs2116495143, ClinGen allele CA368297369.

ClinVar aggregate classification (germline): Pathogenic/Likely pathogenic. Review status: criteria provided, multiple submitters, no conflicts (2 of 4 stars). 8 submissions from 8 submitters: Pathogenic (4); Likely pathogenic (4). Last evaluated 2026-03-17.

Conditions:
Developmental delay with or without dysmorphic facies and autism. Identifiers: MedGen C5193106, MONDO:0032760, OMIM 618454.
TRRAP-related disorder. Also called: TRRAP-related condition.

Submissions (8):

GeneDx
Classification: Pathogenic. Last evaluated: 2026-03-17. Review status: criteria provided, single submitter. Criteria: GeneDx Variant Classification Process June 2021. Collection method: clinical testing. Allele origin: germline.
Comment: Not observed at significant frequency in large population cohorts (gnomAD); In silico analysis supports that this missense variant has a deleterious effect on protein structure/function; This variant is associated with the following publications: (PMID: 39843441, 30827496)

Broad Center for Mendelian Genomics, Broad Institute of MIT and Harvard
Classification: Likely pathogenic for Developmental delay with or without dysmorphic facies and autism. Last evaluated: 2026-03-02. Review status: criteria provided, single submitter. Criteria: ACMG Guidelines, 2015. Collection method: research. Allele origin: germline. Inheritance: Autosomal dominant inheritance.
Comment: Trio exome analysis showed this variant to be de novo. The p.Arg1035Gln variant in TRRAP has been reported in 1 individual with developmental delay with or without dysmorphic facies and autism (PMID 30827496), and was absent from large population studies. This variant has also been reported in ClinVar (Variation ID: 1320128) and has been interpreted as pathogenic by 3billion, University of Leipzig Medical Center, Invitae, and GeneDx. This variant was found to be de novo in 2 individuals with confirmed paternity and maternity (PMID: 30827496, ClinVar SCV002044455.1), and assumed de novo in 1 individual, but maternity and paternity have not been confirmed (ClinVar SCV002012063.1). Computational prediction tools and conservation analyses do not provide strong support for or against an impact to the protein. The number of missense variants reported in TRAAP in the general population is lower than expected, suggesting there is little benign variation in this gene and slightly increasing the possibility that a missense variant in this gene may not be tolerated. In summary, although additional studies are required to fully establish its clinical significance, this variant is likely pathogenic for autosomal dominant developmental delay with or without dysmorphic facies and autism. ACMG/AMP Criteria applied: PS2, PP2, PM2_supporting (Richards 2015).

3billion
Classification: Pathogenic for Developmental delay with or without dysmorphic facies and autism. Last evaluated: 2025-09-08. Review status: criteria provided, single submitter. Criteria: ACMG Guidelines, 2015. Collection method: clinical testing. Allele origin: germline. Affected: yes.
Comment: The variant is not observed in the gnomAD v4.1.0 dataset. Predicted Consequence/Location: Missense variant. Missense changes are a common disease-causing mechanism. Functional studies provide strong evidence of the variant having a damaging effect on the gene or gene product (PMID: 30827496). In silico tool predictions suggest damaging effect of the variant on gene or gene product [ 3Cnet: 0.84 (> 0.75, sensitivity 0.96 and precision 0.92)]. The same nucleotide change resulting in the same amino acid change has been previously reported as pathogenic/likely pathogenic with strong evidence (ClinVar ID: VCV001320128 /PMID: 30827496 /3billion dataset). The variant has been previously reported as de novo in a similarly affected individual (PMID: 30827496). The variant has been observed in at least two similarly affected unrelated individuals (3billion dataset). A different missense change at the same codon (p.Arg1035Gly) has been reported to be associated with TRRAP-related disorder (ClinVar ID: VCV000977633). Therefore, this variant is classified as Pathogenic according to the recommendation of ACMG/AMP guideline.

Blueprint Genetics
Classification: Likely pathogenic for TRRAP-related disorders. Last evaluated: 2024-09-05. Review status: criteria provided, single submitter. Criteria: ACMG Guidelines, 2015. Collection method: clinical testing. Allele origin: germline. Affected: yes. Observed: 1 variant allele.

Genetics Laboratory, UDIAT-Centre Diagnòstic, Hospital Universitari Parc Tauli
Classification: Likely pathogenic for developmental delay with or without dysmorphic facies and autism. Last evaluated: 2022-09-26. Review status: criteria provided, single submitter. Criteria: ACMG Guidelines, 2015. Collection method: clinical testing. Allele origin: unknown. Inheritance: Autosomal dominant inheritance. Affected: yes.
Comment: PS4_strong;PM1_moderate;PM2_supporting;PP2_supporting

Labcorp Genetics (formerly Invitae), Labcorp
Classification: Pathogenic. Last evaluated: 2022-04-15. Review status: criteria provided, single submitter. Criteria: Invitae Variant Classification Sherloc (09022015). Collection method: clinical testing. Allele origin: germline.
Comment: This variant is not present in population databases (gnomAD no frequency). This sequence change replaces arginine, which is basic and polar, with glutamine, which is neutral and polar, at codon 1035 of the TRRAP protein (p.Arg1035Gln). This missense change has been observed in individual(s) with TRRAP-related intellectual disability (PMID: 30827496; Invitae). In at least one individual the variant was observed to be de novo. For these reasons, this variant has been classified as Pathogenic. Algorithms developed to predict the effect of missense changes on protein structure and function are either unavailable or do not agree on the potential impact of this missense change (SIFT: "Deleterious"; PolyPhen-2: "Possibly Damaging"; Align-GVGD: "Class C0"). ClinVar contains an entry for this variant (Variation ID: 1320128).

Institute of Human Genetics, University of Leipzig Medical Center
Classification: Pathogenic for Developmental delay with or without dysmorphic facies and autism. Last evaluated: 2021-12-17. Review status: criteria provided, single submitter. Criteria: ACMG Guidelines, 2015. Collection method: clinical testing. Allele origin: de novo. Affected: yes.
Comment: This variant was identified as de novo (maternity and paternity confirmed)._x000D_ Criteria applied: PS2, PS4_MOD, PM2_SUP, PM5_SUP, PP2, PP3

Juno Genomics, Hangzhou Juno Genomics, Inc
Classification: Likely pathogenic for Developmental delay with or without dysmorphic facies and autism. Review status: criteria provided, single submitter. Criteria: ACMG Guidelines, 2015. Collection method: clinical testing. Allele origin: germline. Affected: yes.
Comment: Absent from controls (or at extremely low frequency if recessive) in Genome Aggregation Database, Exome Sequencing Project, 1000 Genomes Project, or Exome Aggregation Consortium.;Missense variant in a gene that has a low rate of benign missense variation and where missense variants are a common mechanism of disease.;The prevalence of the variant in affected individuals is significantly increased compared to the prevalence in controls.;Assumed de novo, but without confirmation of paternity and maternity.;Patient's phenotype or family history is highly specific for a disease with a single genetic etiology.

Literature cited by the submitters: PubMed 30827496 (cited by 3billion and Labcorp Genetics (formerly Invitae), Labcorp).